The following is an entry in ClinVar:

NM_033641.4(COL4A6):c.833C>G (p.Pro278Arg)

Gene: COL4A6 (collagen type IV alpha 6 chain; minus strand). Cytogenetic location: Xq22.3.
Variant type: single nucleotide variant.
Coding change: c.833C>G on transcript NM_033641.4 (MANE Select); coding-DNA position 833, C replaced by G.
Protein change: p.Pro278Arg; replaces proline 278 with arginine.
Molecular consequence: missense variant.
Genome position (GRCh38, 1-based): chrX:108,202,929, G>C on the plus strand (C>G on the coding strand, the complement: COL4A6 is on the minus strand). VCF-style: chrX-108202929-G-C. GRCh37 (hg19) VCF-style: chrX-107446159-G-C.
Other names: c.833C>G, p.Pro278Arg (NM_001287758.2, NM_001287759.2, NM_001287760.2 and 1 more transcripts); c.836C>G, p.Pro279Arg (NM_001440759.1, NM_001847.4); short protein forms P278R, P279R.
Identifiers: ClinVar variation 4990743 (VCV004990743.1).
Genomic context (GRCh38, chrX:108,202,929, plus strand): 5'-GCTACAGCTTTTGTCCAATCAGACCCTTGTATACATATTGATCAAATAGAGAGACTTACC[G>C]GGAAGCCTGGAGGGCCACTTATGCCTGGAAAACCCTTAGGCCCTGGTTCACCCTGGAAAA-3'
Protein context (NP_378667.1, residues 268-288): FPGISGPPGF[Pro278Arg]GLGTTGEKGE

ClinVar aggregate classification (germline): Uncertain significance (1 of 4 stars; one submission).

Conditions:
COL4A6-related disorder. Also called: COL4A6-related condition.

gnomAD v4.1: 3 of 1,207,978 alleles (0.00025%); highest among the groups gnomAD compares: Non-Finnish European, 0.00034%; no homozygotes.

Submission:

PreventionGenetics, part of Exact Sciences
Classification: Uncertain significance for COL4A6-related condition. Last evaluated: 2026-03-03. Review status: criteria provided, single submitter. Criteria: ACMG Guidelines, 2015. Collection method: clinical testing. Allele origin: germline.
Comment: The COL4A6 c.836C>G variant is predicted to result in the amino acid substitution p.Pro279Arg. To our knowledge, this variant has not been reported in the literature or in a large population database (gnomAD), indicating this variant is rare. At this time, the clinical significance of this variant is uncertain due to the absence of conclusive functional and genetic evidence.